The following is an entry in ClinVar:

NM_001365951.3(KIF1B):c.4658C>A (p.Thr1553Asn)

Gene: KIF1B (kinesin family member 1B; plus strand). Cytogenetic location: 1p36.22.
Variant type: single nucleotide variant.
Coding change: c.4658C>A on transcript NM_001365951.3 (MANE Select); coding-DNA position 4658, C replaced by A.
Protein change: p.Thr1553Asn; replaces threonine 1553 with asparagine.
Molecular consequence: missense variant.
Genome position (GRCh38, 1-based): chr1:10,365,554, C>A. VCF-style: chr1-10365554-C-A. GRCh37 (hg19) VCF-style: chr1-10425612-C-A.
Other names: c.4658C>A, p.Thr1553Asn (NM_001365952.1); c.4520C>A, p.Thr1507Asn (NM_015074.3); short protein forms T1507N, T1553N.
Identifiers: ClinVar variation 5023180 (VCV005023180.1).
Genomic context (GRCh38, chr1:10,365,554, plus strand): 5'-GCCTCAGCAGTGGGACCCTCAGCACCTCCACCAGTATCTCCTCTCAGATCTCAACCACTA[C>A]CTTTGAAAGCGCCATCACACCTAGCGAGAGCAGTGGCTATGATTCAGGAGACATCGAAAG-3'
Protein context (NP_001352880.1, residues 1543-1563): TSISSQISTT[Thr1553Asn]FESAITPSES

ClinVar aggregate classification (germline): Uncertain significance (1 of 4 stars; one submission).

Submission:

Ambry Genetics
Classification: Uncertain significance. Last evaluated: 2026-07-03. Review status: criteria provided, single submitter. Criteria: Ambry Variant Classification Scheme 2023. Collection method: clinical testing. Allele origin: germline.
Comment: The p.T1507N variant (also known as c.4520C>A), located in coding exon 40 of the KIF1B gene, results from a C to A substitution at nucleotide position 4520. The threonine at codon 1507 is replaced by asparagine, an amino acid with similar properties. This amino acid position is conserved. In addition, this alteration is predicted to be tolerated by in silico analysis. Based on the available evidence, the clinical significance of this variant remains unclear.